The following is an entry in ClinVar:

NM_000301.5(PLG):c.1445T>C (p.Met482Thr)

Gene: PLG (plasminogen; plus strand). Cytogenetic location: 6q26.
Variant type: single nucleotide variant.
Coding change: c.1445T>C on transcript NM_000301.5 (MANE Select); coding-DNA position 1445, T replaced by C.
Protein change: p.Met482Thr; replaces methionine 482 with threonine.
Molecular consequence: missense variant.
Genome position (GRCh38, 1-based): chr6:160,731,751, T>C. VCF-style: chr6-160731751-T-C. GRCh37 (hg19) VCF-style: chr6-161152783-T-C.
Other names: short protein forms M482T.
Identifiers: ClinVar variation 1911445 (VCV001911445.7), dbSNP rs1179474632, ClinGen allele CA366363928.

ClinVar aggregate classification (germline): Uncertain significance. Review status: criteria provided, multiple submitters, no conflicts (2 of 4 stars). 3 submissions from 3 submitters: Uncertain significance (3). Last evaluated 2025-09-21.

Conditions:
Inborn genetic diseases. Identifiers: MedGen C0950123, MeSH D030342.
Angioedema, hereditary, 4. Identifiers: MedGen C5543503, MONDO:0025712, OMIM 619360.
Plasminogen deficiency, type I. Also called: Type 1 plasminogen deficiency; Hypoplasminogenemia. Identifiers: Orphanet 722, MedGen C1968804, MONDO:0009009, OMIM 217090.

Allele frequency attached by ClinVar (database versions not stated): gnomAD exomes 0.00001; gnomAD 0.00002; TOPMed 0.00006.
gnomAD v4.1: 12 of 1,613,634 alleles (0.00074%); highest among the groups gnomAD compares: Admixed American, 0.005%; no homozygotes.

Submissions (3):

Labcorp Genetics (formerly Invitae), Labcorp
Classification: Uncertain significance. Last evaluated: 2025-09-21. Review status: criteria provided, single submitter. Criteria: Invitae Variant Classification Sherloc (09022015). Collection method: clinical testing. Allele origin: germline.
Comment: This sequence change replaces methionine, which is neutral and non-polar, with threonine, which is neutral and polar, at codon 482 of the PLG protein (p.Met482Thr). This variant is present in population databases (no rsID available, gnomAD 0.007%). This variant has not been reported in the literature in individuals affected with PLG-related conditions. ClinVar contains an entry for this variant (Variation ID: 1911445). Invitae Evidence Modeling of protein sequence and biophysical properties (such as structural, functional, and spatial information, amino acid conservation, physicochemical variation, residue mobility, and thermodynamic stability) indicates that this missense variant is not expected to disrupt PLG protein function with a negative predictive value of 80%. In summary, the available evidence is currently insufficient to determine the role of this variant in disease. Therefore, it has been classified as a Variant of Uncertain Significance.

Fulgent Genetics
Classification: Uncertain significance for Plasminogen deficiency, type I; Angioedema, hereditary, 4. Last evaluated: 2024-05-06. Review status: criteria provided, single submitter. Criteria: ACMG Guidelines, 2015. Collection method: clinical testing. Allele origin: germline.

Ambry Genetics
Classification: Uncertain significance for Inborn genetic diseases. Last evaluated: 2023-10-30. Review status: criteria provided, single submitter. Criteria: Ambry Variant Classification Scheme 2023. Collection method: clinical testing. Allele origin: germline.